The following is an entry in ClinVar:

NM_182961.4(SYNE1):c.13244T>A (p.Leu4415His)

Gene: SYNE1 (spectrin repeat containing nuclear envelope protein 1; minus strand). Cytogenetic location: 6q25.2.
Variant type: single nucleotide variant.
Coding change: c.13244T>A on transcript NM_182961.4 (MANE Select); coding-DNA position 13244, T replaced by A.
Protein change: p.Leu4415His; replaces leucine 4415 with histidine.
Molecular consequence: missense variant.
Genome position (GRCh38, 1-based): chr6:152,331,441, A>T on the plus strand (T>A on the coding strand, the complement: SYNE1 is on the minus strand). VCF-style: chr6-152331441-A-T. GRCh37 (hg19) VCF-style: chr6-152652576-A-T.
Other names: c.13031T>A, p.Leu4344His (NM_033071.5); short protein forms L4344H, L4415H.
Identifiers: ClinVar variation 1707854 (VCV001707854.2), dbSNP rs745840496, ClinGen allele CA366102121.

ClinVar aggregate classification (germline): Uncertain significance (1 of 4 stars; one submission).

Submission:

GeneDx
Classification: Uncertain significance. Last evaluated: 2022-04-01. Review status: criteria provided, single submitter. Criteria: GeneDx Variant Classification Process June 2021. Collection method: clinical testing. Allele origin: germline. Affected: yes.
Comment: Not observed at significant frequency in large population cohorts (gnomAD); In silico analysis supports that this missense variant has a deleterious effect on protein structure/function; Has not been previously published as pathogenic or benign to our knowledge